The following is an entry in ClinVar:

ClinVar aggregate classification (germline): Pathogenic (1 of 4 stars; one submission).

Submission:

Labcorp Genetics (formerly Invitae), Labcorp
Classification: Pathogenic. Last evaluated: 2024-04-25. Review status: criteria provided, single submitter. Criteria: Invitae Variant Classification Sherloc (09022015). Collection method: clinical testing. Allele origin: germline.
Comment: This sequence change creates a premature translational stop signal (p.Tyr850Ilefs*18) in the EYS gene. It is expected to result in an absent or disrupted protein product. Loss-of-function variants in EYS are known to be pathogenic (PMID: 18836446, 20333770). This variant is not present in population databases (gnomAD no frequency). This variant has not been reported in the literature in individuals affected with EYS-related conditions. For these reasons, this variant has been classified as Pathogenic.

Literature cited by the submitters: PubMed 18836446; PubMed 20333770.

NM_001142800.2(EYS):c.2548del (p.Tyr850fs)

Gene: EYS (EGF-like photoreceptor maintenance factor; minus strand). Cytogenetic location: 6q12.
Variant type: Deletion.
Coding change: c.2548del on transcript NM_001142800.2 (MANE Select); coding-DNA position 2548, one base deleted (T; older notation c.2548delT).
Protein change: p.Tyr850fs; shifts the reading frame from tyrosine 850.
Molecular consequence: frameshift variant.
Genome position (GRCh38, 1-based): chr6:64,912,577, A deleted on the plus strand (T on the coding strand, the reverse complement: EYS is on the minus strand). VCF-style (leftmost placement, unchanged base first): chr6-64912576-TA-T. GRCh37 (hg19) VCF-style: chr6-65622469-TA-T.
Other names: c.2548del, p.Tyr850fs (NM_001292009.2); short protein forms Y850fs.
Identifiers: ClinVar variation 3649532 (VCV003649532.2).